The following is an entry in ClinVar:

ClinVar aggregate classification (germline): Uncertain significance (1 of 4 stars; one submission).

Conditions:
Dilated cardiomyopathy 1AA (CMD1AA). Also called: CARDIOMYOPATHY, DILATED, 1AA, WITH OR WITHOUT LEFT VENTRICULAR NONCOMPACTION; CARDIOMYOPATHY, FAMILIAL HYPERTROPHIC, 23, WITH OR WITHOUT LEFT VENTRICULAR NONCOMPACTION; Cardiomyopathy, dilated, 1AA, with or without LVNC. Identifiers: Orphanet 154, MedGen C2677338, MONDO:0012808, OMIM 612158.
Primary familial hypertrophic cardiomyopathy (HCM). Identifiers: Orphanet 99739, MedGen C0949658, MeSH D024741, MONDO:0024573. Inheritance: Various modes of inheritance.

Submission:

Labcorp Genetics (formerly Invitae), Labcorp
Classification: Uncertain significance for Primary familial hypertrophic cardiomyopathy; Dilated cardiomyopathy 1AA. Last evaluated: 2025-03-25. Review status: criteria provided, single submitter. Criteria: Invitae Variant Classification Sherloc (09022015). Collection method: clinical testing. Allele origin: germline.
Comment: This sequence change replaces methionine, which is neutral and non-polar, with threonine, which is neutral and polar, at codon 133 of the ACTN2 protein (p.Met133Thr). This variant is not present in population databases (gnomAD no frequency). This variant has not been reported in the literature in individuals affected with ACTN2-related conditions. Invitae Evidence Modeling of protein sequence and biophysical properties (such as structural, functional, and spatial information, amino acid conservation, physicochemical variation, residue mobility, and thermodynamic stability) indicates that this missense variant is expected to disrupt ACTN2 protein function with a positive predictive value of 80%. In summary, the available evidence is currently insufficient to determine the role of this variant in disease. Therefore, it has been classified as a Variant of Uncertain Significance.

NM_001103.4(ACTN2):c.398T>C (p.Met133Thr)

Gene: ACTN2 (actinin alpha 2; plus strand). Cytogenetic location: 1q43.
Variant type: single nucleotide variant.
Coding change: c.398T>C on transcript NM_001103.4 (MANE Select); coding-DNA position 398, T replaced by C.
Protein change: p.Met133Thr; replaces methionine 133 with threonine.
Molecular consequence: missense variant. On other transcripts: non-coding transcript variant (1).
Genome position (GRCh38, 1-based): chr1:236,720,141, T>C. VCF-style: chr1-236720141-T-C. GRCh37 (hg19) VCF-style: chr1-236883441-T-C.
Other names: c.398T>C, p.Met133Thr (NM_001278343.2); short protein forms M133T.
Identifiers: ClinVar variation 4791269 (VCV004791269.1).
Genomic context (GRCh38, chr1:236,720,141, plus strand): 5'-AATTTGTTGTTTTCTTACCTGCAGAAATTGTTGATGGCAACGTGAAAATGACCCTGGGTA[T>C]GATCTGGACCATCATCCTTCGCTTTGCTATTCAGGATATTTCGGTTGAAGGTAAAAGACA-3'
Protein context (NP_001094.1, residues 123-143): VDGNVKMTLG[Met133Thr]IWTIILRFAI